The following is an entry in ClinVar:

ClinVar aggregate classification (germline): Uncertain significance (1 of 4 stars; one submission).

gnomAD v4.1: 9 of 1,613,852 alleles (0.00056%); highest among the groups gnomAD compares: Non-Finnish European, 0.00034%; no homozygotes.

Submission:

Labcorp Genetics (formerly Invitae), Labcorp
Classification: Uncertain significance. Last evaluated: 2025-05-09. Review status: criteria provided, single submitter. Criteria: Invitae Variant Classification Sherloc (09022015). Collection method: clinical testing. Allele origin: germline.
Comment: This sequence change replaces glycine, which is neutral and non-polar, with valine, which is neutral and non-polar, at codon 416 of the COL10A1 protein (p.Gly416Val). This variant is present in population databases (rs764944695, gnomAD 0.009%). This variant has not been reported in the literature in individuals affected with COL10A1-related conditions. Invitae Evidence Modeling of protein sequence and biophysical properties (such as structural, functional, and spatial information, amino acid conservation, physicochemical variation, residue mobility, and thermodynamic stability) has been performed for this missense variant. However, the output from this modeling did not meet the statistical confidence thresholds required to predict the impact of this variant on COL10A1 protein function. In summary, the available evidence is currently insufficient to determine the role of this variant in disease. Therefore, it has been classified as a Variant of Uncertain Significance.

NM_000493.4(COL10A1):c.1247G>T (p.Gly416Val)

Genes: COL10A1 (collagen type X alpha 1 chain; minus strand), NT5DC1 (5'-nucleotidase domain containing 1; plus strand). Cytogenetic location: 6q22.1.
Variant type: single nucleotide variant.
Coding change: c.1247G>T on transcript NM_000493.4 (MANE Select); coding-DNA position 1247, G replaced by T.
Protein change: p.Gly416Val; replaces glycine 416 with valine.
Molecular consequence: missense variant. On other transcripts: intron variant (1).
Genome position (GRCh38, 1-based): chr6:116,120,869, C>A on the plus strand (G>T on the coding strand, the complement: COL10A1 is on the minus strand). VCF-style: chr6-116120869-C-A. GRCh37 (hg19) VCF-style: chr6-116442032-C-A.
Other names: c.1247G>T, p.Gly416Val (NM_001424106.1, NM_001424107.1); c.529+2924C>A (NM_152729.3); short protein forms G416V.
Identifiers: ClinVar variation 4754866 (VCV004754866.1).